The following is an entry in ClinVar:

NM_000038.6(APC):c.1995A>G (p.Leu665=)

Gene: APC (APC regulator of Wnt signaling pathway; plus strand). Cytogenetic location: 5q22.2.
Variant type: single nucleotide variant.
Coding change: c.1995A>G on transcript NM_000038.6 (MANE Select); coding-DNA position 1995, A replaced by G.
Protein change: p.Leu665=; no amino-acid change (leucine 665 retained).
Molecular consequence: synonymous variant.
Genome position (GRCh38, 1-based): chr5:112,837,589, A>G. VCF-style: chr5-112837589-A-G. GRCh37 (hg19) VCF-style: chr5-112173286-A-G.
Other names: c.1995A>G, p.Leu665= (NM_001127510.3, NM_001354895.2); c.1941A>G, p.Leu647= (NM_001127511.3); c.2049A>G, p.Leu683= (NM_001354896.2); c.2025A>G, p.Leu675= (NM_001354897.2); c.1920A>G, p.Leu640= (NM_001354898.2); c.1911A>G, p.Leu637= (NM_001354899.2); c.1872A>G, p.Leu624= (NM_001354900.2); c.1818A>G, p.Leu606= (NM_001354901.2); and 5 more.
Identifiers: ClinVar variation 482464 (VCV000482464.21), dbSNP rs1023818848, ClinGen allele CA125167528.

ClinVar aggregate classification (germline): Benign/Likely benign. Review status: criteria provided, multiple submitters, no conflicts (2 of 4 stars). 6 submissions from 6 submitters: Benign (1); Likely benign (5). Last evaluated 2025-12-30.

Conditions:
Hereditary cancer-predisposing syndrome. Also called: Neoplastic Syndromes, Hereditary; Tumor predisposition; Hereditary Cancer Syndrome; Hereditary neoplastic syndrome. Identifiers: Orphanet 140162, MedGen C0027672, MeSH D009386, MONDO:0015356.
Familial adenomatous polyposis 1 (FAP1). Also called: FAMILIAL ADENOMATOUS POLYPOSIS 1, ATTENUATED; POLYPOSIS, ADENOMATOUS INTESTINAL. Identifiers: MedGen C2713442, MONDO:0021056, OMIM 175100. Disease mechanism: loss of function.
Classic or attenuated familial adenomatous polyposis. Identifiers: MedGen CN372698, MONDO:0021057.

Allele frequency attached by ClinVar (database versions not stated): gnomAD exomes below 0.00001; TOPMed 0.00002.
gnomAD v4.1: 6 of 1,612,970 alleles (0.00037%); highest among the groups gnomAD compares: African/African-American, 0.008%; no homozygotes.

Submissions (6):

Labcorp Genetics (formerly Invitae), Labcorp
Classification: Likely benign for Familial adenomatous polyposis 1. Last evaluated: 2025-12-30. Review status: criteria provided, single submitter. Criteria: Invitae Variant Classification Sherloc (09022015). Collection method: clinical testing. Allele origin: germline.

Myriad Genetics, Inc.
Classification: Benign for Familial adenomatous polyposis 1. Last evaluated: 2024-03-08. Review status: criteria provided, single submitter. Criteria: Myriad Autosomal Dominant, Autosomal Recessive and X-Linked Classification Criteria (2023). Collection method: clinical testing. Allele origin: unknown.
Comment: This variant is considered benign. This variant is a silent/synonymous amino acid change and it is not expected to impact splicing.

All of Us Research Program, National Institutes of Health
Classification: Likely benign for Classic or attenuated familial adenomatous polyposis. Last evaluated: 2023-09-17. Review status: criteria provided, single submitter. Criteria: ACMG Guidelines, 2015. Collection method: clinical testing. Allele origin: germline. Inheritance: Autosomal dominant inheritance. Observed: 2 variant alleles, 2 heterozygotes.
Comment: This study involves interpretation of variants in research participants for the purpose of population health screening. Participant phenotype was not available at the time of variant classification. Additional details can be found in publication PMID: 35346344, PMCID: PMC8962531

Genetic Services Laboratory, University of Chicago
Classification: Likely benign. Last evaluated: 2020-08-13. Review status: criteria provided, single submitter. Criteria: ACMG Guidelines, 2015. Collection method: clinical testing. Allele origin: germline. Affected: no.

Color Diagnostics, LLC DBA Color Health
Classification: Likely benign for Hereditary cancer-predisposing syndrome. Last evaluated: 2019-01-28. Review status: criteria provided, single submitter. Criteria: ACMG Guidelines, 2015. Collection method: clinical testing. Allele origin: germline.

Ambry Genetics
Classification: Likely benign for Hereditary cancer-predisposing syndrome. Last evaluated: 2017-03-30. Review status: criteria provided, single submitter. Criteria: Ambry Variant Classification Scheme 2023. Collection method: clinical testing. Allele origin: germline.